The following is an entry in ClinVar:

ClinVar aggregate classification (germline): Uncertain significance. Review status: criteria provided, multiple submitters, no conflicts (2 of 4 stars). 4 submissions from 4 submitters: Uncertain significance (4). Last evaluated 2026-02-16.

Conditions:
NEK8-related disorder. Also called: NEK8-related condition.
Inborn genetic diseases. Identifiers: MedGen C0950123, MeSH D030342.
Nephronophthisis 9 (NPHP9). Identifiers: Orphanet 655, MedGen C3151188, MONDO:0013444, OMIM 613824.

Allele frequency attached by ClinVar (database versions not stated): TOPMed 0.00003; ExAC 0.00005.
gnomAD v4.1: 44 of 1,613,988 alleles (0.0027%); highest among the groups gnomAD compares: Admixed American, 0.005%; 1 homozygote.

Submissions (4):

PreventionGenetics, part of Exact Sciences
Classification: Uncertain significance for NEK8-related condition. Last evaluated: 2026-02-16. Review status: criteria provided, single submitter. Criteria: ACMG Guidelines, 2015. Collection method: clinical testing. Allele origin: germline.
Comment: The NEK8 c.881G>A variant is predicted to result in the amino acid substitution p.Arg294His. To our knowledge, this variant has not been reported in the literature. This variant is reported in 0.0054% of alleles in individuals of East Asian descent in gnomAD. At this time, the clinical significance of this variant is uncertain due to the absence of conclusive functional and genetic evidence.

Labcorp Genetics (formerly Invitae), Labcorp
Classification: Uncertain significance for Nephronophthisis 9. Last evaluated: 2026-01-14. Review status: criteria provided, single submitter. Criteria: Invitae Variant Classification Sherloc (09022015). Collection method: clinical testing. Allele origin: germline.
Comment: This sequence change replaces arginine, which is basic and polar, with histidine, which is basic and polar, at codon 294 of the NEK8 protein (p.Arg294His). This variant is present in population databases (rs762967348, gnomAD 0.006%). This variant has not been reported in the literature in individuals affected with NEK8-related conditions. ClinVar contains an entry for this variant (Variation ID: 965932). An algorithm developed to predict the effect of missense changes on protein structure and function (PolyPhen-2) suggests that this variant is likely to be disruptive. In summary, the available evidence is currently insufficient to determine the role of this variant in disease. Therefore, it has been classified as a Variant of Uncertain Significance.

Ambry Genetics
Classification: Uncertain significance for Inborn genetic diseases. Last evaluated: 2022-07-19. Review status: criteria provided, single submitter. Criteria: Ambry Variant Classification Scheme 2023. Collection method: clinical testing. Allele origin: germline.

Revvity Omics, Revvity
Classification: Uncertain significance. Last evaluated: 2021-08-10. Review status: criteria provided, single submitter. Criteria: ACMG Guidelines, 2015. Collection method: clinical testing. Allele origin: germline.

NM_178170.3(NEK8):c.881G>A (p.Arg294His)

Gene: NEK8 (NIMA related kinase 8; plus strand). Cytogenetic location: 17q11.2.
Variant type: single nucleotide variant.
Coding change: c.881G>A on transcript NM_178170.3 (MANE Select); coding-DNA position 881, G replaced by A.
Protein change: p.Arg294His; replaces arginine 294 with histidine.
Molecular consequence: missense variant.
Genome position (GRCh38, 1-based): chr17:28,737,728, G>A. VCF-style: chr17-28737728-G-A. GRCh37 (hg19) VCF-style: chr17-27064746-G-A.
Other names: short protein forms R294H.
Identifiers: ClinVar variation 965932 (VCV000965932.9), dbSNP rs762967348, ClinGen allele CA8467227.